The following is an entry in ClinVar:

NM_001378454.1(ALMS1):c.10012A>C (p.Ser3338Arg)

Gene: ALMS1 (ALMS1 centrosome and basal body associated protein; plus strand). Cytogenetic location: 2p13.1.
Variant type: single nucleotide variant.
Coding change: c.10012A>C on transcript NM_001378454.1 (MANE Select); coding-DNA position 10012, A replaced by C.
Protein change: p.Ser3338Arg; replaces serine 3338 with arginine.
Molecular consequence: missense variant.
Genome position (GRCh38, 1-based): chr2:73,550,371, A>C. VCF-style: chr2-73550371-A-C. GRCh37 (hg19) VCF-style: chr2-73777498-A-C.
Other names: c.10015A>C, p.Ser3339Arg (NM_015120.4); short protein forms S3338R, S3339R.
Identifiers: ClinVar variation 2770269 (VCV002770269.3), dbSNP rs2466385762, ClinGen allele CA347272198.

ClinVar aggregate classification (germline): Uncertain significance (1 of 4 stars; one submission).

Conditions:
Alstrom syndrome (ALMS). Identifiers: Orphanet 64, MedGen C0268425, MONDO:0008763, OMIM 203800.

Allele frequency attached by ClinVar (database versions not stated): gnomAD exomes below 0.00001.
gnomAD v4.1: 1 of 1,614,222 alleles (0.000062%); highest among the groups gnomAD compares: Non-Finnish European, 0.000085%; no homozygotes.

Submission:

Labcorp Genetics (formerly Invitae), Labcorp
Classification: Uncertain significance for Alstrom syndrome. Last evaluated: 2023-10-20. Review status: criteria provided, single submitter. Criteria: Invitae Variant Classification Sherloc (09022015). Collection method: clinical testing. Allele origin: germline.
Comment: This sequence change replaces serine, which is neutral and polar, with arginine, which is basic and polar, at codon 3339 of the ALMS1 protein (p.Ser3339Arg). This variant is not present in population databases (gnomAD no frequency). This variant has not been reported in the literature in individuals affected with ALMS1-related conditions. Experimental studies and prediction algorithms are not available or were not evaluated, and the functional significance of this variant is currently unknown. In summary, the available evidence is currently insufficient to determine the role of this variant in disease. Therefore, it has been classified as a Variant of Uncertain Significance.